The following is an entry in ClinVar:

ClinVar aggregate classification (germline): Uncertain significance (1 of 4 stars; one submission).

Allele frequency attached by ClinVar (database versions not stated): gnomAD exomes below 0.00001.
gnomAD v4.1: 3 of 1,612,354 alleles (0.00019%); highest among the groups gnomAD compares: Admixed American, 0.005%; no homozygotes.

Submission:

Ambry Genetics
Classification: Uncertain significance. Last evaluated: 2024-08-12. Review status: criteria provided, single submitter. Criteria: Ambry Variant Classification Scheme 2023. Collection method: clinical testing. Allele origin: germline.
Comment: The p.I399V variant (also known as c.1195A>G), located in coding exon 11 of the RAD54L gene, results from an A to G substitution at nucleotide position 1195. The isoleucine at codon 399 is replaced by valine, an amino acid with highly similar properties. This amino acid position is conserved. In addition, the in silico prediction for this alteration is inconclusive. Since supporting evidence is limited at this time, the clinical significance of this alteration remains unclear.

NM_003579.4(RAD54L):c.1195A>G (p.Ile399Val)

Gene: RAD54L (RAD54 like; plus strand). Cytogenetic location: 1p34.1.
Variant type: single nucleotide variant.
Coding change: c.1195A>G on transcript NM_003579.4 (MANE Select); coding-DNA position 1195, A replaced by G.
Protein change: p.Ile399Val; replaces isoleucine 399 with valine.
Molecular consequence: missense variant.
Genome position (GRCh38, 1-based): chr1:46,272,491, A>G. VCF-style: chr1-46272491-A-G. GRCh37 (hg19) VCF-style: chr1-46738163-A-G.
Other names: c.1195A>G, p.Ile399Val (NM_001142548.2); c.655A>G, p.Ile219Val (NM_001370766.1); short protein forms I219V, I399V.
Identifiers: ClinVar variation 1745784 (VCV001745784.3), dbSNP rs2525706748, ClinGen allele CA340176987.